The following is an entry in ClinVar:

NM_016360.4(TACO1):c.424G>A (p.Gly142Ser)

Gene: TACO1 (translational activator of cytochrome c oxidase I; plus strand). Cytogenetic location: 17q23.3.
Variant type: single nucleotide variant.
Coding change: c.424G>A on transcript NM_016360.4 (MANE Select); coding-DNA position 424, G replaced by A.
Protein change: p.Gly142Ser; replaces glycine 142 with serine.
Molecular consequence: missense variant.
Genome position (GRCh38, 1-based): chr17:63,606,349, G>A. VCF-style: chr17-63606349-G-A. GRCh37 (hg19) VCF-style: chr17-61683709-G-A.
Other names: c.424G>A (NM_016360.3); short protein forms G142S.
Identifiers: ClinVar variation 2141926 (VCV002141926.6), dbSNP rs772924764, ClinGen allele CA8702135.
Genomic context (GRCh38, chr17:63,606,349, plus strand): 5'-ATGTGCTTGTGTTGTTTATTGCAGAAATCCAAGGACACTTATTTGCTGTATGAGGGTCGA[G>A]GCCCTGGTGGCTCTTCTCTGCTCATCGAGGCATTATCTAACAGTAGCCACAAGTGCCAAG-3'
Protein context (NP_057444.2, residues 132-152): KDTYLLYEGR[Gly142Ser]PGGSSLLIEA

ClinVar aggregate classification (germline): Uncertain significance. Review status: criteria provided, multiple submitters, no conflicts (2 of 4 stars). 4 submissions from 4 submitters: Uncertain significance (4). Last evaluated 2024-07-16.

Conditions:
Inborn genetic diseases. Identifiers: MedGen C0950123, MeSH D030342.
Mitochondrial complex IV deficiency, nuclear type 8. Also called: Mitochondrial complex 4 deficiency, nuclear type 8. Identifiers: MedGen C5436689, MONDO:0033638, OMIM 619052.

Allele frequency attached by ClinVar (database versions not stated): gnomAD exomes 0.00001; ExAC 0.00002; gnomAD 0.00003; TOPMed 0.00003.
gnomAD v4.1: 11 of 1,613,910 alleles (0.00068%); highest among the groups gnomAD compares: Admixed American, 0.01%; no homozygotes.

Submissions (4):

Ambry Genetics
Classification: Uncertain significance for Inborn genetic diseases. Last evaluated: 2024-07-16. Review status: criteria provided, single submitter. Criteria: Ambry Variant Classification Scheme 2023. Collection method: clinical testing. Allele origin: germline.

Fulgent Genetics
Classification: Uncertain significance for Mitochondrial complex IV deficiency, nuclear type 8. Last evaluated: 2024-04-25. Review status: criteria provided, single submitter. Criteria: ACMG Guidelines, 2015. Collection method: clinical testing. Allele origin: germline.

Labcorp Genetics (formerly Invitae), Labcorp
Classification: Uncertain significance. Last evaluated: 2023-12-18. Review status: criteria provided, single submitter. Criteria: Invitae Variant Classification Sherloc (09022015). Collection method: clinical testing. Allele origin: germline.
Comment: This sequence change replaces glycine, which is neutral and non-polar, with serine, which is neutral and polar, at codon 142 of the TACO1 protein (p.Gly142Ser). This variant is present in population databases (rs772924764, gnomAD 0.008%). This variant has not been reported in the literature in individuals affected with TACO1-related conditions. ClinVar contains an entry for this variant (Variation ID: 2141926). Advanced modeling of protein sequence and biophysical properties (such as structural, functional, and spatial information, amino acid conservation, physicochemical variation, residue mobility, and thermodynamic stability) performed at Invitae indicates that this missense variant is not expected to disrupt TACO1 protein function with a negative predictive value of 80%. In summary, the available evidence is currently insufficient to determine the role of this variant in disease. Therefore, it has been classified as a Variant of Uncertain Significance.

GeneDx
Classification: Uncertain significance. Last evaluated: 2022-11-18. Review status: criteria provided, single submitter. Criteria: GeneDx Variant Classification Process June 2021. Collection method: clinical testing. Allele origin: germline. Affected: yes.
Comment: Not observed at significant frequency in large population cohorts (gnomAD); In silico analysis supports that this missense variant has a deleterious effect on protein structure/function; Has not been previously published as pathogenic or benign to our knowledge